The following continues an entry in ClinVar:

NM_000059.4(BRCA2):c.280C>T (p.Pro94Ser)

Gene: BRCA2. ClinVar aggregate classification (germline): Conflicting classifications of pathogenicity. Uncertain significance (7); Benign (1); Likely benign (10).

Submissions 14 to 23 of 23:

GeneDx
Classification: Likely benign. Last evaluated: 2020-12-14. Review status: criteria provided, single submitter. Criteria: GeneDx Variant Classification Process June 2021. Collection method: clinical testing. Allele origin: germline. Affected: yes.
Comment: In silico analysis, which includes protein predictors and evolutionary conservation, supports that this variant does not alter protein structure/function; This variant is associated with the following publications: (PMID: 21120943, 19471317, 25348012, 29659569, 29928469, 32641407, 32123317)

Genetic Services Laboratory, University of Chicago
Classification: Uncertain significance. Last evaluated: 2020-11-23. Review status: criteria provided, single submitter. Criteria: ACMG Guidelines, 2015. Collection method: clinical testing. Allele origin: germline. Affected: no.
Comment: DNA sequence analysis of the BRCA2 gene demonstrated a sequence change, c.280C>T, in exon 3 that results in an amino acid change, p.Pro94Ser. This sequence change does not appear to have been previously described in patients with BRCA2-related disorders and has been described in the gnomAD database with a frequency of 0.014% in the Latino sub-population (dbSNP rs80358531). The p.Pro94Ser change affects a moderately conserved amino acid residue located in a domain of the BRCA2 protein that is known to be functional. In-silico pathogenicity prediction tools (SIFT, PolyPhen2, Align GVGD, REVEL) provide contradictory results for the p.Pro94Ser substitution. Due to these contrasting evidences and the lack of functional studies, the clinical significance of the p.Pro94Ser change remains unknown at this time.

Ambry Genetics
Classification: Likely benign for Hereditary cancer-predisposing syndrome. Last evaluated: 2019-04-18. Review status: criteria provided, single submitter. Criteria: Ambry Variant Classification Scheme 2023. Collection method: clinical testing. Allele origin: germline.

Color Diagnostics, LLC DBA Color Health
Classification: Likely benign for Hereditary cancer-predisposing syndrome. Last evaluated: 2017-01-17. Review status: criteria provided, single submitter. Criteria: ACMG Guidelines, 2015. Collection method: clinical testing. Allele origin: germline.

Eurofins Ntd Llc (ga)
Classification: Uncertain significance. Last evaluated: 2014-09-11. Review status: criteria provided, single submitter. Criteria: EGL Classification Definitions 2015. Collection method: clinical testing. Allele origin: germline. Observed: 2 variant alleles, 2 heterozygotes.

Department of Medical and Surgical Sciences, University of Bologna
Classification: Benign for Breast-ovarian cancer, familial, susceptibility to, 2. Last evaluated: 2023-09-01. Review status: no assertion criteria provided. Collection method: clinical testing. Allele origin: germline. Affected: yes. Not counted in ClinVar's aggregate classification.
Comment: BS1(Supporting)+BP1(Strong)+BP5(Moderate) according to ACMG/AMP classification guidelines specified for BRCA1 & BRCA2 (Classification Criteria V1.0.0 2023-09-08) (PMID: 38160042)

BRCAlab, Lund University
Classification: Likely benign for Breast-ovarian cancer, familial, susceptibility to, 2. Last evaluated: 2020-03-02. Review status: no assertion criteria provided. Collection method: clinical testing. Allele origin: germline. Affected: yes. Not counted in ClinVar's aggregate classification.

Sharing Clinical Reports Project (SCRP)
Classification: Benign for Breast-ovarian cancer, familial 2. Last evaluated: 2012-03-22. Review status: no assertion criteria provided. Collection method: clinical testing. Allele origin: germline. Not counted in ClinVar's aggregate classification.

Breast Cancer Information Core (BIC) (BRCA2)
Classification: Uncertain significance for Breast-ovarian cancer, familial 2. Last evaluated: 2004-02-20. Review status: no assertion criteria provided. Collection method: clinical testing. Allele origin: germline. Affected: yes. Observed: 6 variant alleles. Not counted in ClinVar's aggregate classification.

Department of Pathology and Laboratory Medicine, Sinai Health System
Classification: Uncertain significance. Review status: no assertion criteria provided. Collection method: clinical testing. Allele origin: unknown. Affected: yes. Observed: 2 variant alleles. Study: The Canadian Open Genetics Repository (COGR). Not counted in ClinVar's aggregate classification.
Comment: The p.Pro94Ser variant was identified by Caux-Moncoutier (2009) in a hereditary breast/ovarian cancer (HBOC) patient. The authors of this study used an allelic imbalance assay to assess the putative impact of variants on splicing; no allelic imbalance was found for the variant, suggesting that it does not impact splicing. The variant was also identified in dbSNP (ID: rs80358531) â€šÃ„ÃºWith non-pathogenic alleleâ€šÃ„Ã¹, and three times in UMD as an unclassified variant. The p.Pro94 residue is conserved across mammals and lower organisms and computational analyses (PolyPhen-2, SIFT, AlignGVGD, BLOSUM) suggest that the p.Pro94Ser variant may impact the protein. However, this information is not predictive enough to assume pathogenicity. In summary, based on the above information, the clinical significance of this variant cannot be determined with certainty at this time. This variant is classified as a variant of unknown significance.

Literature cited by the submitters: PubMed 19471317 (cited by 4 submitters); PubMed 21120943 (cited by 3 submitters); PubMed 29659569 (cited by 3 submitters); PubMed 29928469 (cited by 3 submitters); PubMed 35264596 (cited by Women's Health and Genetics/Laboratory Corporation of America, LabCorp and Quest Diagnostics Nichols Institute San Juan Capistrano); PubMed 35263119 (cited by Women's Health and Genetics/Laboratory Corporation of America, LabCorp); PubMed 35979650 (cited by Women's Health and Genetics/Laboratory Corporation of America, LabCorp and Quest Diagnostics Nichols Institute San Juan Capistrano); PubMed 33471991 (cited by Quest Diagnostics Nichols Institute San Juan Capistrano); PubMed 32123317 (cited by Quest Diagnostics Nichols Institute San Juan Capistrano and Sema4); PubMed 39427061 (cited by Quest Diagnostics Nichols Institute San Juan Capistrano); PubMed 39256447 (cited by Quest Diagnostics Nichols Institute San Juan Capistrano); PubMed 39251783 (cited by Quest Diagnostics Nichols Institute San Juan Capistrano); PubMed 38160042 (cited by Quest Diagnostics Nichols Institute San Juan Capistrano); PubMed 35534704 (cited by Quest Diagnostics Nichols Institute San Juan Capistrano); PubMed 36881271 (cited by Quest Diagnostics Nichols Institute San Juan Capistrano); PubMed 32641407 (cited by Quest Diagnostics Nichols Institute San Juan Capistrano and Sema4); PubMed 26295337 (cited by Quest Diagnostics Nichols Institute San Juan Capistrano); PubMed 36329109 (cited by Quest Diagnostics Nichols Institute San Juan Capistrano and Genetics Program, Instituto Nacional de Cancer); PubMed 25348012 (cited by Quest Diagnostics Nichols Institute San Juan Capistrano).